The following is an entry in ClinVar:

ClinVar aggregate classification (germline): Uncertain significance. Review status: criteria provided, multiple submitters, no conflicts (2 of 4 stars). 3 submissions from 3 submitters: Uncertain significance (3). Last evaluated 2025-12-16.

Conditions:
Inborn genetic diseases. Identifiers: MedGen C0950123, MeSH D030342.
Mitochondrial DNA depletion syndrome, encephalomyopathic form with methylmalonic aciduria (MTDPS5). Also called: Mitochondrial encephalomyopathy aminoacidopathy; MITOCHONDRIAL DNA DEPLETION SYNDROME, ENCEPHALOMYOPATHIC FORM, WITH OR WITHOUT METHYLMALONIC ACIDURIA, AUTOSOMAL RECESSIVE, SUCLA2-RELATED; Mitochondrial DNA depletion syndrome 5 (encephalomyopathic with or without methylmalonic aciduria); SUCLA2-Related Mitochondrial DNA Depletion Syndrome, Encephalomyopathic Form with Methylmalonic Aciduria. Identifiers: Orphanet 1933, MedGen C5980207, MONDO:0012791, OMIM 612073.

Allele frequency attached by ClinVar (database versions not stated): gnomAD 0.00008 and 0.00009; gnomAD exomes 0.00012; TOPMed 0.00012; ExAC 0.00014; ESP Exome Variant Server 0.00023.
gnomAD v4.1: 196 of 1,613,668 alleles (0.012%); highest among the groups gnomAD compares: Non-Finnish European, 0.016%; no homozygotes.

Submissions (3):

GeneDx
Classification: Uncertain significance. Last evaluated: 2025-12-16. Review status: criteria provided, single submitter. Criteria: GeneDx Variant Classification Process June 2021. Collection method: clinical testing. Allele origin: germline. Affected: yes.
Comment: In silico analysis supports that this missense variant has a deleterious effect on protein structure/function; Has not been previously published as pathogenic or benign to our knowledge

Labcorp Genetics (formerly Invitae), Labcorp
Classification: Uncertain significance for Mitochondrial DNA depletion syndrome, encephalomyopathic form with methylmalonic aciduria. Last evaluated: 2022-09-07. Review status: criteria provided, single submitter. Criteria: Invitae Variant Classification Sherloc (09022015). Collection method: clinical testing. Allele origin: germline.
Comment: This sequence change replaces glutamic acid, which is acidic and polar, with alanine, which is neutral and non-polar, at codon 359 of the SUCLA2 protein (p.Glu359Ala). This variant is present in population databases (rs150996983, gnomAD 0.03%). This variant has not been reported in the literature in individuals affected with SUCLA2-related conditions. ClinVar contains an entry for this variant (Variation ID: 203959). Algorithms developed to predict the effect of missense changes on protein structure and function (SIFT, PolyPhen-2, Align-GVGD) all suggest that this variant is likely to be tolerated. In summary, the available evidence is currently insufficient to determine the role of this variant in disease. Therefore, it has been classified as a Variant of Uncertain Significance.

Ambry Genetics
Classification: Uncertain significance for Inborn genetic diseases. Last evaluated: 2021-05-13. Review status: criteria provided, single submitter. Criteria: Ambry Variant Classification Scheme 2023. Collection method: clinical testing. Allele origin: germline.

NM_003850.3(SUCLA2):c.1076A>C (p.Glu359Ala)

Gene: SUCLA2 (succinate-CoA ligase ADP-forming subunit beta; minus strand). Cytogenetic location: 13q14.2.
Variant type: single nucleotide variant.
Coding change: c.1076A>C on transcript NM_003850.3 (MANE Select); coding-DNA position 1076, A replaced by C.
Protein change: p.Glu359Ala; replaces glutamic acid 359 with alanine.
Molecular consequence: missense variant.
Genome position (GRCh38, 1-based): chr13:47,954,171, T>G on the plus strand (A>C on the coding strand, the complement: SUCLA2 is on the minus strand). VCF-style: chr13-47954171-T-G. GRCh37 (hg19) VCF-style: chr13-48528306-T-G.
Other names: p.E359A:GAA>GCA; short protein forms E359A.
Identifiers: ClinVar variation 203959 (VCV000203959.6), dbSNP rs150996983, ClinGen allele CA313026.